The following is an entry in ClinVar:

ClinVar aggregate classification (germline): Likely benign. Review status: criteria provided, multiple submitters, no conflicts (2 of 4 stars). 2 submissions from 2 submitters: Likely benign (2). Last evaluated 2025-05-29.

Conditions:
INPP5E-related disorder. Also called: INPP5E-related condition.
Joubert syndrome. Also called: Familial aplasia of the vermis; JOUBERT-BOLTSHAUSER SYNDROME. Identifiers: Orphanet 475, MedGen C5979921, MONDO:0018772.

Allele frequency attached by ClinVar (database versions not stated): gnomAD exomes 0.00002 and 0.00001; gnomAD 0.00003; ExAC 0.00001.

Submissions (2):

PreventionGenetics, part of Exact Sciences
Classification: Likely benign for INPP5E-related condition. Last evaluated: 2025-05-29. Review status: criteria provided, single submitter. Criteria: ACMG Guidelines, 2015. Collection method: clinical testing. Allele origin: germline.
Comment: This variant is classified as likely benign based on ACMG/AMP sequence variant interpretation guidelines (Richards et al. 2015 PMID: 25741868, with internal and published modifications).

Labcorp Genetics (formerly Invitae), Labcorp
Classification: Likely benign for Joubert syndrome. Last evaluated: 2023-11-27. Review status: criteria provided, single submitter. Criteria: Invitae Variant Classification Sherloc (09022015). Collection method: clinical testing. Allele origin: germline.

NM_019892.6(INPP5E):c.1098G>A (p.Ala366=)

Gene: INPP5E (inositol polyphosphate-5-phosphatase E; minus strand). Cytogenetic location: 9q34.3.
Variant type: single nucleotide variant.
Coding change: c.1098G>A on transcript NM_019892.6 (MANE Select); coding-DNA position 1098, G replaced by A.
Protein change: p.Ala366=; no amino-acid change (alanine 366 retained).
Molecular consequence: synonymous variant.
Genome position (GRCh38, 1-based): chr9:136,433,216, C>T on the plus strand (G>A on the coding strand, the complement: INPP5E is on the minus strand). VCF-style: chr9-136433216-C-T. GRCh37 (hg19) VCF-style: chr9-139327668-C-T.
Other names: c.1098G>A, p.Ala366= (NM_001318502.2); c.1098G>A (NM_019892.5).
Identifiers: ClinVar variation 1399436 (VCV001399436.9), dbSNP rs374142756, ClinGen allele CA5336951.